The following is an entry in ClinVar:

NM_001352514.2(HLCS):c.1418G>A (p.Gly473Glu)

Gene: HLCS (holocarboxylase synthetase; minus strand). Cytogenetic location: 21q22.13.
Variant type: single nucleotide variant.
Coding change: c.1418G>A on transcript NM_001352514.2 (MANE Select); coding-DNA position 1418, G replaced by A.
Protein change: p.Gly473Glu; replaces glycine 473 with glutamic acid.
Molecular consequence: missense variant. On other transcripts: non-coding transcript variant (2).
Genome position (GRCh38, 1-based): chr21:36,936,468, C>T on the plus strand (G>A on the coding strand, the complement: HLCS is on the minus strand). VCF-style: chr21-36936468-C-T. GRCh37 (hg19) VCF-style: chr21-38308768-C-T.
Other names: c.977G>A, p.Gly326Glu (NM_000411.8, NM_001242784.3, NM_001242785.2 and 4 more transcripts); short protein forms G326E, G473E.
Identifiers: ClinVar variation 3587677 (VCV003587677.2).

ClinVar aggregate classification (germline): Conflicting classifications of pathogenicity. Review status: criteria provided, conflicting classifications (1 of 4 stars). 2 submissions from 2 submitters: Likely pathogenic (1); Uncertain significance (1). Last evaluated 2024-11-30.

Conditions:
Holocarboxylase synthetase deficiency. Also called: MULTIPLE CARBOXYLASE DEFICIENCY, EARLY ONSET. Identifiers: Orphanet 79242, MedGen C0268581, MONDO:0009666, OMIM 253270.

gnomAD v4.1: 9 of 1,614,092 alleles (0.00056%); highest among the groups gnomAD compares: Non-Finnish European, 0.00068%; no homozygotes.

Submissions (2):

Labcorp Genetics (formerly Invitae), Labcorp
Classification: Uncertain significance for Holocarboxylase synthetase deficiency. Last evaluated: 2024-11-30. Review status: criteria provided, single submitter. Criteria: Invitae Variant Classification Sherloc (09022015). Collection method: clinical testing. Allele origin: germline.
Comment: This sequence change replaces glycine, which is neutral and non-polar, with glutamic acid, which is acidic and polar, at codon 326 of the HLCS protein (p.Gly326Glu). This variant is present in population databases (rs745419121, gnomAD 0.0009%). This missense change has been observed in individual(s) with holocarboxylase synthetase deficiency (PMID: 27114915). Invitae Evidence Modeling of protein sequence and biophysical properties (such as structural, functional, and spatial information, amino acid conservation, physicochemical variation, residue mobility, and thermodynamic stability) indicates that this missense variant is expected to disrupt HLCS protein function with a positive predictive value of 95%. In summary, the available evidence is currently insufficient to determine the role of this variant in disease. Therefore, it has been classified as a Variant of Uncertain Significance.

Fulgent Genetics
Classification: Likely pathogenic for Holocarboxylase synthetase deficiency. Last evaluated: 2024-04-01. Review status: criteria provided, single submitter. Criteria: ACMG Guidelines, 2015. Collection method: clinical testing. Allele origin: germline.

Literature cited by the submitters: PubMed 27114915 (cited by Labcorp Genetics (formerly Invitae), Labcorp).